The following is an entry in ClinVar:

NM_014806.5(RUSC2):c.881C>T (p.Thr294Ile)

Gene: RUSC2 (RUN and SH3 domain containing 2; plus strand). Cytogenetic location: 9p13.3.
Variant type: single nucleotide variant.
Coding change: c.881C>T on transcript NM_014806.5 (MANE Select); coding-DNA position 881, C replaced by T.
Protein change: p.Thr294Ile; replaces threonine 294 with isoleucine.
Molecular consequence: missense variant. On other transcripts: non-coding transcript variant (1), intron variant (1).
Genome position (GRCh38, 1-based): chr9:35,547,402, C>T. VCF-style: chr9-35547402-C-T. GRCh37 (hg19) VCF-style: chr9-35547399-C-T.
Other names: c.881C>T, p.Thr294Ile (NM_001135999.2); c.-620-7658C>T (NM_001330740.2); short protein forms T294I.
Identifiers: ClinVar variation 2088725 (VCV002088725.4), dbSNP rs2490381839, ClinGen allele CA373329496.

ClinVar aggregate classification (germline): Uncertain significance (1 of 4 stars; one submission).

Allele frequency attached by ClinVar (database versions not stated): gnomAD exomes below 0.00001.
gnomAD v4.1: 2 of 1,614,150 alleles (0.00012%); highest among the groups gnomAD compares: Non-Finnish European, 0.000085%; no homozygotes.

Submission:

Labcorp Genetics (formerly Invitae), Labcorp
Classification: Uncertain significance. Last evaluated: 2022-01-21. Review status: criteria provided, single submitter. Criteria: Invitae Variant Classification Sherloc (09022015). Collection method: clinical testing. Allele origin: germline.
Comment: In summary, the available evidence is currently insufficient to determine the role of this variant in disease. Therefore, it has been classified as a Variant of Uncertain Significance. Algorithms developed to predict the effect of missense changes on protein structure and function (SIFT, PolyPhen-2, Align-GVGD) all suggest that this variant is likely to be tolerated. This variant has not been reported in the literature in individuals affected with RUSC2-related conditions. This variant is not present in population databases (gnomAD no frequency). This sequence change replaces threonine, which is neutral and polar, with isoleucine, which is neutral and non-polar, at codon 294 of the RUSC2 protein (p.Thr294Ile).